The following is an entry in ClinVar:

ClinVar aggregate classification (germline): Uncertain significance (1 of 4 stars; one submission).

Conditions:
Dilated cardiomyopathy 1JJ (CMD1JJ). Identifiers: Orphanet 154, MedGen C3808935, MONDO:0014095, OMIM 615235.

Allele frequency attached by ClinVar (database versions not stated): TOPMed below 0.00001.

Submission:

Labcorp Genetics (formerly Invitae), Labcorp
Classification: Uncertain significance for Dilated cardiomyopathy 1JJ. Last evaluated: 2024-02-05. Review status: criteria provided, single submitter. Criteria: Invitae Variant Classification Sherloc (09022015). Collection method: clinical testing. Allele origin: germline.
Comment: This sequence change replaces tyrosine, which is neutral and polar, with phenylalanine, which is neutral and non-polar, at codon 161 of the LAMA4 protein (p.Tyr161Phe). This variant is not present in population databases (gnomAD no frequency). This variant has not been reported in the literature in individuals affected with LAMA4-related conditions. ClinVar contains an entry for this variant (Variation ID: 1410686). An algorithm developed to predict the effect of missense changes on protein structure and function (PolyPhen-2) suggests that this variant is likely to be disruptive. In summary, the available evidence is currently insufficient to determine the role of this variant in disease. Therefore, it has been classified as a Variant of Uncertain Significance.

NM_001105206.3(LAMA4):c.482A>T (p.Tyr161Phe)

Gene: LAMA4 (laminin subunit alpha 4; minus strand). Cytogenetic location: 6q21.
Variant type: single nucleotide variant.
Coding change: c.482A>T on transcript NM_001105206.3 (MANE Select); coding-DNA position 482, A replaced by T.
Protein change: p.Tyr161Phe; replaces tyrosine 161 with phenylalanine.
Molecular consequence: missense variant.
Genome position (GRCh38, 1-based): chr6:112,201,629, T>A on the plus strand (A>T on the coding strand, the complement: LAMA4 is on the minus strand). VCF-style: chr6-112201629-T-A. GRCh37 (hg19) VCF-style: chr6-112522830-T-A.
Other names: c.482A>T, p.Tyr161Phe (NM_001105207.3, NM_002290.5); short protein forms Y161F.
Identifiers: ClinVar variation 1410686 (VCV001410686.8), dbSNP rs1168937852, ClinGen allele CA365379655.